The following is an entry in ClinVar:

ClinVar aggregate classification (germline): Uncertain significance (1 of 4 stars; one submission).

Conditions:
Chronic kidney disease. Identifiers: MedGen C1561643, MONDO:0005300, HP:0012622.

Submission:

Cavalleri Lab, Royal College of Surgeons in Ireland
Classification: Uncertain significance for Chronic kidney disease. Last evaluated: 2020-05-28. Review status: criteria provided, single submitter. Criteria: ACMG Guidelines, 2015. Collection method: research. Allele origin: unknown. Inheritance: Autosomal dominant inheritance. Affected: yes.
Comment: PM2, PP3

NM_024426.6(WT1):c.576G>T (p.Gln192His)

Genes: WT1 (WT1 transcription factor; minus strand), LOC107982234 (WT1/WT1-AS bi-directional promoter region; plus strand). Cytogenetic location: 11p13.
Variant type: single nucleotide variant.
Coding change: c.576G>T on transcript NM_024426.6 (MANE Select); coding-DNA position 576, G replaced by T.
Protein change: p.Gln192His; replaces glutamine 192 with histidine.
Molecular consequence: missense variant. On other transcripts: non-coding transcript variant (1).
Genome position (GRCh38, 1-based): chr11:32,434,785, C>A on the plus strand (G>T on the coding strand, the complement: WT1 is on the minus strand). VCF-style: chr11-32434785-C-A. GRCh37 (hg19) VCF-style: chr11-32456331-C-A.
Other names: c.576G>T, p.Gln192His (NM_000378.6, NM_024424.5); short protein forms Q192H.
Identifiers: ClinVar variation 915856 (VCV000915856.1), dbSNP rs1853438283, ClinGen allele CA379964609.